The following is an entry in ClinVar:

ClinVar aggregate classification (germline): Conflicting classifications of pathogenicity. Review status: criteria provided, conflicting classifications (1 of 4 stars). 6 submissions from 6 submitters: Uncertain significance (5); Benign (1). Last evaluated 2025-09-24.

Conditions:
PIEZO1-related disorder. Also called: PIEZO1-related condition; PIEZO1-Related Disorders.

Allele frequency attached by ClinVar (database versions not stated): TOPMed 0.00019; gnomAD exomes 0.00021 and 0.00022; gnomAD 0.00024 and 0.00027; ExAC 0.00036; 1000 Genomes Project 30x 0.00078; 1000 Genomes Project 0.00100.
gnomAD v4.1: 361 of 1,535,852 alleles (0.024%); highest among the groups gnomAD compares: East Asian, 0.059%; no homozygotes.

Submissions (6):

PreventionGenetics, part of Exact Sciences
Classification: Uncertain significance for PIEZO1-related condition. Last evaluated: 2025-09-24. Review status: criteria provided, single submitter. Criteria: ACMG Guidelines, 2015. Collection method: clinical testing. Allele origin: germline.
Comment: The PIEZO1 c.752C>T variant is predicted to result in the amino acid substitution p.Ala251Val. To our knowledge, this variant has not been reported in the literature. This variant is reported in 0.058% of alleles in individuals of East Asian descent in gnomAD. This variant has conflicting interpretations in ClinVar from uncertain significance to benign (Variation ID: 808139). Although we suspect that this variant may be benign, at this time, the clinical significance of this variant is uncertain due to the absence of conclusive functional and genetic evidence.

Labcorp Genetics (formerly Invitae), Labcorp
Classification: Benign. Last evaluated: 2025-04-29. Review status: criteria provided, single submitter. Criteria: Invitae Variant Classification Sherloc (09022015). Collection method: clinical testing. Allele origin: germline.

Mayo Clinic Laboratories, Mayo Clinic
Classification: Uncertain significance. Last evaluated: 2024-10-01. Review status: criteria provided, single submitter. Criteria: ACMG Guidelines, 2015. Collection method: clinical testing. Allele origin: germline. Observed: 5 variant alleles.

GeneDx
Classification: Uncertain significance. Last evaluated: 2021-04-07. Review status: criteria provided, single submitter. Criteria: GeneDx Variant Classification Process June 2021. Collection method: clinical testing. Allele origin: germline. Affected: yes.
Comment: In silico analysis supports that this missense variant does not alter protein structure/function; Has not been previously published as pathogenic or benign to our knowledge

CeGaT Center for Human Genetics Tuebingen
Classification: Uncertain significance. Last evaluated: 2018-11-01. Review status: criteria provided, single submitter. Criteria: CeGaT Center For Human Genetics Tuebingen Variant Classification Criteria Version 2. Collection method: clinical testing. Allele origin: germline. Affected: yes. Observed: 1 variant allele.

Breakthrough Genomics
Classification: Uncertain significance. Review status: criteria provided, single submitter. Criteria: ACMG Guidelines, 2015. Collection method: not provided. Allele origin: germline. Inheritance: Autosomal recessive inheritance. Affected: yes.

NM_001142864.4(PIEZO1):c.752C>T (p.Ala251Val)

Genes: HSALR1 (HSP90AB1 associated lncRNA 1; plus strand), PIEZO1 (piezo type mechanosensitive ion channel component 1 (Er blood group); minus strand). Cytogenetic location: 16q24.3.
Variant type: single nucleotide variant.
Coding change: c.752C>T on transcript NM_001142864.4 (MANE Select); coding-DNA position 752, C replaced by T.
Protein change: p.Ala251Val; replaces alanine 251 with valine.
Molecular consequence: missense variant. On other transcripts: non-coding transcript variant (1).
Genome position (GRCh38, 1-based): chr16:88,738,323, G>A on the plus strand (C>T on the coding strand, the complement: PIEZO1 is on the minus strand). VCF-style: chr16-88738323-G-A. GRCh37 (hg19) VCF-style: chr16-88804731-G-A.
Other names: c.752C>T (NM_001142864.3); short protein forms A251V.
Identifiers: ClinVar variation 808139 (VCV000808139.55), dbSNP rs539005229, ClinGen allele CA8233199.